The following is an entry in ClinVar:

ClinVar aggregate classification (germline): Uncertain significance (1 of 4 stars; one submission).

Conditions:
DK1-congenital disorder of glycosylation. Also called: CONGENITAL DISORDER OF GLYCOSYLATION, TYPE Im; DOLK-congenital disorder of glycosylation; Carbohydrate deficient glycoprotein syndrome type 1m; DK1 DEFICIENCY; DOLICHOL KINASE DEFICIENCY; DK1-CDG. Identifiers: Orphanet 91131, MedGen C1835849, MONDO:0012556, OMIM 610768.

Allele frequency attached by ClinVar (database versions not stated): TOPMed below 0.00001.
gnomAD v4.1: 2 of 1,614,134 alleles (0.00012%); highest among the groups gnomAD compares: Non-Finnish European, 0.00017%; no homozygotes.

Submission:

Labcorp Genetics (formerly Invitae), Labcorp
Classification: Uncertain significance for DK1-congenital disorder of glycosylation. Last evaluated: 2021-09-24. Review status: criteria provided, single submitter. Criteria: Invitae Variant Classification Sherloc (09022015). Collection method: clinical testing. Allele origin: germline.
Comment: In summary, the available evidence is currently insufficient to determine the role of this variant in disease. Therefore, it has been classified as a Variant of Uncertain Significance. Algorithms developed to predict the effect of missense changes on protein structure and function (SIFT, PolyPhen-2, Align-GVGD) all suggest that this variant is likely to be tolerated. This variant has not been reported in the literature in individuals affected with DOLK-related conditions. This variant is not present in population databases (ExAC no frequency). This sequence change replaces glutamine with histidine at codon 331 of the DOLK protein (p.Gln331His). The glutamine residue is weakly conserved and there is a small physicochemical difference between glutamine and histidine.

NM_014908.4(DOLK):c.993G>C (p.Gln331His)

Gene: DOLK (dolichol kinase; minus strand). Cytogenetic location: 9q34.11.
Variant type: single nucleotide variant.
Coding change: c.993G>C on transcript NM_014908.4 (MANE Select); coding-DNA position 993, G replaced by C.
Protein change: p.Gln331His; replaces glutamine 331 with histidine.
Molecular consequence: missense variant.
Genome position (GRCh38, 1-based): chr9:128,946,311, C>G on the plus strand (G>C on the coding strand, the complement: DOLK is on the minus strand). VCF-style: chr9-128946311-C-G. GRCh37 (hg19) VCF-style: chr9-131708590-C-G.
Other names: short protein forms Q331H.
Identifiers: ClinVar variation 1346236 (VCV001346236.6), dbSNP rs1841665962, ClinGen allele CA375120974.
Genomic context (GRCh38, chr9:128,946,311, plus strand): 5'-ACCTGGGATGTAGGTGGCTACCACAATGAGGTGGAAATACTTTCGGGCGATGGTGGGGGC[C>G]TGGTGCTTCTTGGACTCGGAAGATGACCGCTTGGCATTCTGGTACAGCACCACCAGGCAG-3'
Protein context (NP_055723.1, residues 321-341): KRSSSESKKH[Gln331His]APTIARKYFH